The following is an entry in ClinVar:

ClinVar aggregate classification (germline): Likely benign. Review status: criteria provided, multiple submitters, no conflicts (2 of 4 stars). 4 submissions from 4 submitters: Likely benign (4). Last evaluated 2025-11-27.

Conditions:
SBF2-related disorder. Also called: SBF2-related condition.
Charcot-Marie-Tooth disease type 4. Also called: Charcot-Marie-Tooth disease, type IV; Charcot-Marie-Tooth, Type 4. Identifiers: Orphanet 64749, MedGen C4082197, MONDO:0018995.

Allele frequency attached by ClinVar (database versions not stated): gnomAD exomes 0.00005 and 0.00015; 1000 Genomes Project 30x 0.00016; 1000 Genomes Project 0.00020; ExAC 0.00022; gnomAD 0.00053 and 0.00059; TOPMed 0.00057; ESP Exome Variant Server 0.00062.
gnomAD v4.1: 147 of 1,614,130 alleles (0.0091%); highest among the groups gnomAD compares: African/African-American, 0.17%; no homozygotes.

Submissions (4):

Labcorp Genetics (formerly Invitae), Labcorp
Classification: Likely benign for Charcot-Marie-Tooth disease type 4. Last evaluated: 2025-11-27. Review status: criteria provided, single submitter. Criteria: Invitae Variant Classification Sherloc (09022015). Collection method: clinical testing. Allele origin: germline.

PreventionGenetics, part of Exact Sciences
Classification: Likely benign for SBF2-related condition. Last evaluated: 2025-04-15. Review status: criteria provided, single submitter. Criteria: ACMG Guidelines, 2015. Collection method: clinical testing. Allele origin: germline.
Comment: This variant is classified as likely benign based on ACMG/AMP sequence variant interpretation guidelines (Richards et al. 2015 PMID: 25741868, with internal and published modifications).

Blueprint Genetics
Classification: Likely benign. Last evaluated: 2021-12-30. Review status: criteria provided, single submitter. Criteria: ACMG Guidelines, 2015. Collection method: clinical testing. Allele origin: germline.

Genetic Services Laboratory, University of Chicago
Classification: Likely benign. Last evaluated: 2019-06-11. Review status: criteria provided, single submitter. Criteria: ACMG Guidelines, 2015. Collection method: clinical testing. Allele origin: germline. Affected: no.

NM_030962.4(SBF2):c.4947G>A (p.Leu1649=)

Genes: SBF2 (SET binding factor 2; minus strand), SBF2-AS1 (SBF2 antisense RNA 1; plus strand), LOC105369149 (uncharacterized LOC105369149; plus strand). Cytogenetic location: 11p15.4.
Variant type: single nucleotide variant.
Coding change: c.4947G>A on transcript NM_030962.4 (MANE Select); coding-DNA position 4947, G replaced by A.
Protein change: p.Leu1649=; no amino-acid change (leucine 1649 retained).
Molecular consequence: synonymous variant.
Genome position (GRCh38, 1-based): chr11:9,787,724, C>T on the plus strand (G>A on the coding strand, the complement: SBF2 is on the minus strand). VCF-style: chr11-9787724-C-T. GRCh37 (hg19) VCF-style: chr11-9809271-C-T.
Other names: c.5043G>A, p.Leu1681= (NM_001386339.1); c.4818G>A, p.Leu1606= (NM_001386342.1).
Identifiers: ClinVar variation 697594 (VCV000697594.16), dbSNP rs149659495, ClinGen allele CA5880855.
Genomic context (GRCh38, chr11:9,787,724, plus strand): 5'-CACGGTTACCCTTTCCCACAGCTGCTGCCACTTCTCAGGGGCTTGGTTCAATTTGTGCTC[C>T]AATTTTTCAATTTCCTGCAAAGAAATTAAAAGTTTTCTGATCAGTATTTCATAGAAATCA-3'
Protein context (NP_112224.1, residues 1639-1659): LTSLFSEIEK[Leu1649=]EHKLNQAPEK